The following is an entry in ClinVar:

NM_001363.5(DKC1):c.1225C>T (p.Pro409Ser)

Gene: DKC1 (dyskerin pseudouridine synthase 1; plus strand). Cytogenetic location: Xq28.
Variant type: single nucleotide variant.
Coding change: c.1225C>T on transcript NM_001363.5 (MANE Select); coding-DNA position 1225, C replaced by T.
Protein change: p.Pro409Ser; replaces proline 409 with serine.
Molecular consequence: missense variant. On other transcripts: non-coding transcript variant (3).
Genome position (GRCh38, 1-based): chrX:154,774,671, C>T. VCF-style: chrX-154774671-C-T. GRCh37 (hg19) VCF-style: chrX-154002946-C-T.
Other names: c.1225C>T, p.Pro409Ser (NM_001142463.3, NM_001288747.2); short protein forms P409S.
Identifiers: ClinVar variation 1526146 (VCV001526146.1), dbSNP rs2148516431, ClinGen allele CA414898270.

ClinVar aggregate classification (germline): Uncertain significance (1 of 4 stars; one submission).

Conditions:
Dyskeratosis congenita, X-linked (DKCX). Also called: Zinsser-Cole-Engman Syndrome. Identifiers: MedGen C1148551, MONDO:0010584, OMIM 305000.

Submission:

3billion
Classification: Uncertain significance for Dyskeratosis congenita, X-linked. Last evaluated: 2022-03-22. Review status: criteria provided, single submitter. Criteria: ACMG Guidelines, 2015. Collection method: clinical testing. Allele origin: germline. Affected: yes. Observed: 1 hemizygote.
Comment: Different pathogenic/likely pathogenic amino acid change has been reported with supporting evidence at the same codon (PMID:23946118,15304085). In silico tool predictions suggest damaging effect of the variant on gene or gene product (REVEL: 0.716>=0.6). A missense variant is a common mechanism . It is not observed in the gnomAD v2.1.1 dataset. Therefore, this variant is classified as uncertain significance according to the recommendation of ACMG/AMP guideline.

Literature cited by the submitters: PubMed 15304085; PubMed 23946118.